The following is an entry in ClinVar:

NM_001184.4(ATR):c.7594T>C (p.Phe2532Leu)

Gene: ATR (ATR checkpoint kinase; minus strand). Cytogenetic location: 3q23.
Variant type: single nucleotide variant.
Coding change: c.7594T>C on transcript NM_001184.4 (MANE Select); coding-DNA position 7594, T replaced by C.
Protein change: p.Phe2532Leu; replaces phenylalanine 2532 with leucine.
Molecular consequence: missense variant.
Genome position (GRCh38, 1-based): chr3:142,457,665, A>G on the plus strand (T>C on the coding strand, the complement: ATR is on the minus strand). VCF-style: chr3-142457665-A-G. GRCh37 (hg19) VCF-style: chr3-142176507-A-G.
Other names: c.7402T>C, p.Phe2468Leu (NM_001354579.2); short protein forms F2532L, F2468L.
Identifiers: ClinVar variation 1759666 (VCV001759666.7), dbSNP rs2473033157, ClinGen allele CA354795017.
Genomic context (GRCh38, chr3:142,457,665, plus strand): 5'-TCATTAAAGGCTCTCGCTGATCACGCATCAGCCTCATTGTAACTTCACATGCTCTTCGAA[A>G]AAGACCCTCTGTTCCCATAGGACCCATTCCATTAACCATATTATGAGTCAGGCGAAATGG-3'
Protein context (NP_001175.2, residues 2522-2542): GMGPMGTEGL[Phe2532Leu]RRACEVTMRL

ClinVar aggregate classification (germline): Uncertain significance. Review status: criteria provided, multiple submitters, no conflicts (2 of 4 stars). 2 submissions from 2 submitters: Uncertain significance (2). Last evaluated 2024-03-24.

Conditions:
Inborn genetic diseases. Identifiers: MedGen C0950123, MeSH D030342.

Allele frequency attached by ClinVar (database versions not stated): gnomAD exomes below 0.00001.
gnomAD v4.1: 1 of 1,614,078 alleles (0.000062%); highest among the groups gnomAD compares: Non-Finnish European, 0.000085%; no homozygotes.

Submissions (2):

Ambry Genetics
Classification: Uncertain significance for Inborn genetic diseases. Last evaluated: 2024-03-24. Review status: criteria provided, single submitter. Criteria: Ambry Variant Classification Scheme 2023. Collection method: clinical testing. Allele origin: germline.
Comment: The p.F2532L variant (also known as c.7594T>C), located in coding exon 45 of the ATR gene, results from a T to C substitution at nucleotide position 7594. The phenylalanine at codon 2532 is replaced by leucine, an amino acid with highly similar properties. This amino acid position is conserved. In addition, this alteration is predicted to be deleterious by in silico analysis. Since supporting evidence is limited at this time, the clinical significance of this alteration remains unclear.

Labcorp Genetics (formerly Invitae), Labcorp
Classification: Uncertain significance. Last evaluated: 2022-10-26. Review status: criteria provided, single submitter. Criteria: Invitae Variant Classification Sherloc (09022015). Collection method: clinical testing. Allele origin: germline.
Comment: In summary, the available evidence is currently insufficient to determine the role of this variant in disease. Therefore, it has been classified as a Variant of Uncertain Significance. Algorithms developed to predict the effect of missense changes on protein structure and function are either unavailable or do not agree on the potential impact of this missense change (SIFT: "Deleterious"; PolyPhen-2: "Probably Damaging"; Align-GVGD: "Class C15"). This variant has not been reported in the literature in individuals affected with ATR-related conditions. This variant is not present in population databases (gnomAD no frequency). This sequence change replaces phenylalanine, which is neutral and non-polar, with leucine, which is neutral and non-polar, at codon 2532 of the ATR protein (p.Phe2532Leu).